The following is an entry in ClinVar:

ClinVar aggregate classification (germline): Likely benign (0 of 4 stars; one submission).

Conditions:
MACF1-related disorder. Also called: MACF1-related condition.

Submission:

PreventionGenetics, part of Exact Sciences
Classification: Likely benign for MACF1-related condition. Last evaluated: 2019-09-26. Review status: no assertion criteria provided. Collection method: clinical testing. Allele origin: germline.
Comment: This variant is classified as likely benign based on ACMG/AMP sequence variant interpretation guidelines (Richards et al. 2015 PMID: 25741868, with internal and published modifications).

NM_001394062.1(MACF1):c.3429C>A (p.Leu1143=)

Gene: MACF1 (microtubule actin crosslinking factor 1; plus strand). Cytogenetic location: 1p34.3.
Variant type: single nucleotide variant.
Coding change: c.3429C>A on transcript NM_001394062.1 (MANE Select); coding-DNA position 3429, C replaced by A.
Protein change: p.Leu1143=; no amino-acid change (leucine 1143 retained).
Molecular consequence: synonymous variant.
Genome position (GRCh38, 1-based): chr1:39,315,671, C>A. VCF-style: chr1-39315671-C-A. GRCh37 (hg19) VCF-style: chr1-39781343-C-A.
Other names: c.3444C>A, p.Leu1148= (NM_012090.5).
Identifiers: ClinVar variation 3034392 (VCV003034392.2), dbSNP rs1203076288, ClinGen allele CA417284563.